The following is an entry in ClinVar:

ClinVar aggregate classification (germline): Uncertain significance (1 of 4 stars; one submission).

Submission:

Labcorp Genetics (formerly Invitae), Labcorp
Classification: Uncertain significance. Last evaluated: 2023-08-17. Review status: criteria provided, single submitter. Criteria: Invitae Variant Classification Sherloc (09022015). Collection method: clinical testing. Allele origin: germline.
Comment: In summary, the available evidence is currently insufficient to determine the role of this variant in disease. Therefore, it has been classified as a Variant of Uncertain Significance. An algorithm developed to predict the effect of missense changes on protein structure and function (PolyPhen-2) suggests that this variant is likely to be tolerated. This variant has not been reported in the literature in individuals affected with CAMK2B-related conditions. This variant is not present in population databases (gnomAD no frequency). This sequence change replaces glycine, which is neutral and non-polar, with aspartic acid, which is acidic and polar, at codon 527 of the CAMK2B protein (p.Gly527Asp).

NM_001220.5(CAMK2B):c.1580G>A (p.Gly527Asp)

Gene: CAMK2B (calcium/calmodulin dependent protein kinase II beta; minus strand). Cytogenetic location: 7p13.
Variant type: single nucleotide variant.
Coding change: c.1580G>A on transcript NM_001220.5 (MANE Select); coding-DNA position 1580, G replaced by A.
Protein change: p.Gly527Asp; replaces glycine 527 with aspartic acid.
Molecular consequence: missense variant. On other transcripts: intron variant (8).
Genome position (GRCh38, 1-based): chr7:44,226,533, C>T on the plus strand (G>A on the coding strand, the complement: CAMK2B is on the minus strand). VCF-style: chr7-44226533-C-T. GRCh37 (hg19) VCF-style: chr7-44266132-C-T.
Other names: c.947-5632G>A (NM_172084.3); c.1150+4473G>A (NM_172080.3); c.1036+4473G>A (NM_172083.3); c.1108+4473G>A (NM_172081.3); c.1153+4473G>A (NM_172079.3, NM_172082.3); c.1225+4473G>A (NM_001293170.2, NM_172078.3); short protein forms G527D.
Identifiers: ClinVar variation 2805476 (VCV002805476.3), dbSNP rs2485049926, ClinGen allele CA367371401.